The following is an entry in ClinVar:

ClinVar aggregate classification (germline): Uncertain significance (1 of 4 stars; one submission).

Submission:

GeneDx
Classification: Uncertain significance. Last evaluated: 2021-04-06. Review status: criteria provided, single submitter. Criteria: GeneDx Variant Classification Process June 2021. Collection method: clinical testing. Allele origin: germline. Affected: yes.
Comment: Not observed in large population cohorts (Lek et al., 2016); In silico analysis supports that this missense variant does not alter protein structure/function; Has not been previously published as pathogenic or benign to our knowledge

NM_006939.4(SOS2):c.614C>T (p.Thr205Ile)

Gene: SOS2 (SOS Ras/Rho guanine nucleotide exchange factor 2; minus strand). Cytogenetic location: 14q21.3.
Variant type: single nucleotide variant.
Coding change: c.614C>T on transcript NM_006939.4 (MANE Select); coding-DNA position 614, C replaced by T.
Protein change: p.Thr205Ile; replaces threonine 205 with isoleucine.
Molecular consequence: missense variant.
Genome position (GRCh38, 1-based): chr14:50,188,597, G>A on the plus strand (C>T on the coding strand, the complement: SOS2 is on the minus strand). VCF-style: chr14-50188597-G-A. GRCh37 (hg19) VCF-style: chr14-50655315-G-A.
Other names: short protein forms T205I.
Identifiers: ClinVar variation 1314616 (VCV001314616.2), dbSNP rs763214818, ClinGen allele CA389648145.
Genomic context (GRCh38, chr14:50,188,597, plus strand): 5'-CGAAACACTTTTATGATCATATTTAATTCCCGTAGATACTGTCTTTCTTCTGCGATTTCA[G>A]TTCTGACAAGATCATAGTAGTTTAATTCACCAGAAGAACTAGGTTCATCTTCACAGAGAG-3'
Protein context (NP_008870.2, residues 195-215): GELNYYDLVR[Thr205Ile]EIAEERQYLR